The following is an entry in ClinVar:

NM_000548.5(TSC2):c.1236G>A (p.Glu412=)

Gene: TSC2 (TSC complex subunit 2; plus strand). Cytogenetic location: 16p13.3.
Variant type: single nucleotide variant.
Coding change: c.1236G>A on transcript NM_000548.5 (MANE Select); coding-DNA position 1236, G replaced by A.
Protein change: p.Glu412=; no amino-acid change (glutamic acid 412 retained).
Molecular consequence: synonymous variant.
Genome position (GRCh38, 1-based): chr16:2,061,987, G>A. VCF-style: chr16-2061987-G-A. GRCh37 (hg19) VCF-style: chr16-2111988-G-A.
Other names: c.1236G>A, p.Glu412= (NM_001077183.3, NM_001114382.3, NM_001363528.2 and 3 more transcripts); c.1125G>A, p.Glu375= (NM_001318827.2); c.1089G>A, p.Glu363= (NM_001318829.2); c.636G>A, p.Glu212= (NM_001318831.2); c.1269G>A, p.Glu423= (NM_001318832.2).
Identifiers: ClinVar variation 747882 (VCV000747882.11), dbSNP rs1596303728, ClinGen allele CA492962069.
Genomic context (GRCh38, chr16:2,061,987, plus strand): 5'-GGAGCTGTGTGACCAGAACGAGTTCCACGGGTCTCAGGAGAGATACTTTGAACTGGTGGA[G>A]AGATGTGCGGACCAGAGGCCTGTGAGACCCCCTCCTGGGTGGGGCCTTTGGGCTTTGGCT-3'
Protein context (NP_000539.2, residues 402-422): GSQERYFELV[Glu412=]RCADQRPESS

ClinVar aggregate classification (germline): Benign/Likely benign. Review status: criteria provided, multiple submitters, no conflicts (2 of 4 stars). 2 submissions from 2 submitters: Benign (1); Likely benign (1). Last evaluated 2025-12-03.

Conditions:
Tuberous sclerosis 2 (TSC2). Identifiers: Orphanet 805, MedGen C1860707, MONDO:0013199, OMIM 613254.

Allele frequency attached by ClinVar (database versions not stated): gnomAD exomes below 0.00001.
gnomAD v4.1: 1 of 1,614,182 alleles (0.000062%); highest among the groups gnomAD compares: Non-Finnish European, 0.000085%; no homozygotes.

Submissions (2):

Labcorp Genetics (formerly Invitae), Labcorp
Classification: Likely benign for Tuberous sclerosis 2. Last evaluated: 2025-12-03. Review status: criteria provided, single submitter. Criteria: Invitae Variant Classification Sherloc (09022015). Collection method: clinical testing. Allele origin: germline.

Myriad Genetics, Inc.
Classification: Benign for Tuberous sclerosis 2. Last evaluated: 2025-05-13. Review status: criteria provided, single submitter. Criteria: Myriad Autosomal Dominant, Autosomal Recessive and X-Linked Classification Criteria (2023). Collection method: clinical testing. Allele origin: unknown.
Comment: This variant is considered benign. This variant is a silent/synonymous amino acid change and it is not expected to impact splicing.